The following is an entry in ClinVar:

NM_001614.5(ACTG1):c.1119A>G (p.Lys373=)

Gene: ACTG1 (actin gamma 1; minus strand). Cytogenetic location: 17q25.3.
Variant type: single nucleotide variant.
Coding change: c.1119A>G on transcript NM_001614.5 (MANE Select); coding-DNA position 1119, A replaced by G.
Protein change: p.Lys373=; no amino-acid change (lysine 373 retained).
Molecular consequence: synonymous variant. On other transcripts: non-coding transcript variant (1).
Genome position (GRCh38, 1-based): chr17:81,510,699, T>C on the plus strand (A>G on the coding strand, the complement: ACTG1 is on the minus strand). VCF-style: chr17-81510699-T-C. GRCh37 (hg19) VCF-style: chr17-79477725-T-C.
Other names: c.1119A>G, p.Lys373= (NM_001199954.3).
Identifiers: ClinVar variation 3052787 (VCV003052787.3), dbSNP rs1555666347, ClinGen allele CA502292268.
Genomic context (GRCh38, chr17:81,510,699, plus strand): 5'-TCTATTCTCAATTAACCCATGCAGCAAATGCTACGCATCTGCTGAGTCCGTTTAGAAGCA[T>C]TTGCGGTGGACGATGGAGGGGCCCGACTCGTCGTACTCCTGCTTGCTAATCCACATCTGC-3'
Protein context (NP_001605.1, residues 363-375): DESGPSIVHR[Lys373=]CF

ClinVar aggregate classification (germline): Likely benign. Review status: criteria provided, single submitter (1 of 4 stars). 2 submissions from 2 submitters: Likely benign (1). 1 of the submissions does not count toward it. Last evaluated 2025-11-11.

Conditions:
ACTG1-related disorder. Also called: ACTG1-related disorders; ACTG1-related condition.

Allele frequency attached by ClinVar (database versions not stated): gnomAD exomes below 0.00001.

Submissions (2):

Women's Health and Genetics/Laboratory Corporation of America, LabCorp
Classification: Likely benign. Last evaluated: 2025-11-11. Review status: criteria provided, single submitter. Criteria: LabCorp Variant Classification Summary - May 2015. Collection method: clinical testing. Allele origin: germline.

PreventionGenetics, part of Exact Sciences
Classification: Likely benign for ACTG1-related condition. Last evaluated: 2022-04-27. Review status: no assertion criteria provided. Collection method: clinical testing. Allele origin: germline. Not counted in ClinVar's aggregate classification.
Comment: This variant is classified as likely benign based on ACMG/AMP sequence variant interpretation guidelines (Richards et al. 2015 PMID: 25741868, with internal and published modifications).